The following is an entry in ClinVar:

ClinVar aggregate classification (germline): Uncertain significance (1 of 4 stars; one submission).

Submission:

Labcorp Genetics (formerly Invitae), Labcorp
Classification: Uncertain significance. Last evaluated: 2023-07-27. Review status: criteria provided, single submitter. Criteria: Invitae Variant Classification Sherloc (09022015). Collection method: clinical testing. Allele origin: germline.
Comment: In summary, the available evidence is currently insufficient to determine the role of this variant in disease. Therefore, it has been classified as a Variant of Uncertain Significance. Advanced modeling of protein sequence and biophysical properties (such as structural, functional, and spatial information, amino acid conservation, physicochemical variation, residue mobility, and thermodynamic stability) performed at Invitae indicates that this missense variant is not expected to disrupt KMT2B protein function. This variant has not been reported in the literature in individuals affected with KMT2B-related conditions. This variant is not present in population databases (gnomAD no frequency). This sequence change replaces alanine, which is neutral and non-polar, with aspartic acid, which is acidic and polar, at codon 385 of the KMT2B protein (p.Ala385Asp).

NM_014727.3(KMT2B):c.1154C>A (p.Ala385Asp)

Gene: KMT2B (lysine methyltransferase 2B; plus strand). Cytogenetic location: 19q13.12.
Variant type: single nucleotide variant.
Coding change: c.1154C>A on transcript NM_014727.3 (MANE Select); coding-DNA position 1154, C replaced by A.
Protein change: p.Ala385Asp; replaces alanine 385 with aspartic acid.
Molecular consequence: missense variant.
Genome position (GRCh38, 1-based): chr19:35,720,501, C>A. VCF-style: chr19-35720501-C-A. GRCh37 (hg19) VCF-style: chr19-36211403-C-A.
Other names: short protein forms A385D.
Identifiers: ClinVar variation 2747035 (VCV002747035.3), dbSNP rs369601563, ClinGen allele CA405388341.